The following is an entry in ClinVar:

ClinVar aggregate classification (germline): Uncertain significance. Review status: criteria provided, multiple submitters, no conflicts (2 of 4 stars). 4 submissions from 4 submitters: Uncertain significance (4). Last evaluated 2024-04-11.

Conditions:
Ehlers-Danlos syndrome, kyphoscoliotic type, 2. Also called: Ehlers-Danlos syndrome, kyphoscoliotic and deafness type; FKBP14-Kyphoscoliotic Ehlers-Danlos Syndrome; Ehlers-Danlos syndrome with progressive kyphoscoliosis, myopathy, and hearing loss. Identifiers: Orphanet 300179, MedGen C3281160, MONDO:0013800, OMIM 614557.
Cardiovascular phenotype. Identifiers: MedGen CN230736.

Allele frequency attached by ClinVar (database versions not stated): gnomAD 0.00001 and 0.00003; TOPMed 0.00001.
gnomAD v4.1: 15 of 1,575,416 alleles (0.00095%); highest among the groups gnomAD compares: Middle Eastern, 0.034%; no homozygotes.

Submissions (4):

Blueprint Genetics
Classification: Uncertain significance. Last evaluated: 2024-04-11. Review status: criteria provided, single submitter. Criteria: ACMG Guidelines, 2015. Collection method: clinical testing. Allele origin: germline.

Ambry Genetics
Classification: Uncertain significance for Cardiovascular phenotype. Last evaluated: 2023-11-17. Review status: criteria provided, single submitter. Criteria: Ambry Variant Classification Scheme 2023. Collection method: clinical testing. Allele origin: germline.

CeGaT Center for Human Genetics Tuebingen
Classification: Uncertain significance. Last evaluated: 2022-04-01. Review status: criteria provided, single submitter. Criteria: CeGaT Center For Human Genetics Tuebingen Variant Classification Criteria Version 2. Collection method: clinical testing. Allele origin: germline. Affected: yes. Observed: 1 variant allele.

Labcorp Genetics (formerly Invitae), Labcorp
Classification: Uncertain significance for Ehlers-Danlos syndrome, kyphoscoliotic type, 2. Last evaluated: 2022-02-19. Review status: criteria provided, single submitter. Criteria: Invitae Variant Classification Sherloc (09022015). Collection method: clinical testing. Allele origin: germline.
Comment: This sequence change replaces valine, which is neutral and non-polar, with isoleucine, which is neutral and non-polar, at codon 160 of the FKBP14 protein (p.Val160Ile). This variant is present in population databases (no rsID available, gnomAD 0.004%). This variant has not been reported in the literature in individuals affected with FKBP14-related conditions. Algorithms developed to predict the effect of missense changes on protein structure and function are either unavailable or do not agree on the potential impact of this missense change (SIFT: "Deleterious"; PolyPhen-2: "Possibly Damaging"; Align-GVGD: "Class C0"). In summary, the available evidence is currently insufficient to determine the role of this variant in disease. Therefore, it has been classified as a Variant of Uncertain Significance.

NM_017946.4(FKBP14):c.478G>A (p.Val160Ile)

Genes: FKBP14 (FKBP prolyl isomerase 14; minus strand), FKBP14-AS1 (FKBP14 antisense RNA 1; plus strand). Cytogenetic location: 7p14.3.
Variant type: single nucleotide variant.
Coding change: c.478G>A on transcript NM_017946.4 (MANE Select); coding-DNA position 478, G replaced by A.
Protein change: p.Val160Ile; replaces valine 160 with isoleucine.
Molecular consequence: missense variant. On other transcripts: non-coding transcript variant (2).
Genome position (GRCh38, 1-based): chr7:30,014,893, C>T on the plus strand (G>A on the coding strand, the complement: FKBP14 is on the minus strand). VCF-style: chr7-30014893-C-T. GRCh37 (hg19) VCF-style: chr7-30054509-C-T.
Other names: c.478G>A (NM_017946.2); short protein forms V160I.
Identifiers: ClinVar variation 1438589 (VCV001438589.31), dbSNP rs768353747, ClinGen allele CA367116491.